The following is an entry in ClinVar:

NM_080680.3(COL11A2):c.3925G>A (p.Gly1309Arg)

Gene: COL11A2 (collagen type XI alpha 2 chain; minus strand). Cytogenetic location: 6p21.32.
Variant type: single nucleotide variant.
Coding change: c.3925G>A on transcript NM_080680.3 (MANE Select); coding-DNA position 3925, G replaced by A.
Protein change: p.Gly1309Arg; replaces glycine 1309 with arginine.
Molecular consequence: missense variant.
Genome position (GRCh38, 1-based): chr6:33,168,554, C>T on the plus strand (G>A on the coding strand, the complement: COL11A2 is on the minus strand). VCF-style: chr6-33168554-C-T. GRCh37 (hg19) VCF-style: chr6-33136331-C-T.
Other names: c.3604G>A, p.Gly1202Arg (NM_080679.3); c.3667G>A, p.Gly1223Arg (NM_080681.3); short protein forms G1202R, G1223R, G1309R.
Identifiers: ClinVar variation 1224418 (VCV001224418.21), dbSNP rs779569420, ClinGen allele CA3750304.

ClinVar aggregate classification (germline): Uncertain significance. Review status: criteria provided, multiple submitters, no conflicts (2 of 4 stars). 4 submissions from 4 submitters: Uncertain significance (4). Last evaluated 2024-12-01.

Allele frequency attached by ClinVar (database versions not stated): gnomAD exomes 0.00001; TOPMed 0.00001; ExAC 0.00003.
gnomAD v4.1: 13 of 1,613,682 alleles (0.00081%); highest among the groups gnomAD compares: South Asian, 0.0044%; no homozygotes.

Submissions (4):

CeGaT Center for Human Genetics Tuebingen
Classification: Uncertain significance. Last evaluated: 2024-12-01. Review status: criteria provided, single submitter. Criteria: CeGaT Center For Human Genetics Tuebingen Variant Classification Criteria Version 2. Collection method: clinical testing. Allele origin: germline. Affected: yes. Observed: 1 variant allele.
Comment: COL11A2: PM2, PP3

Labcorp Genetics (formerly Invitae), Labcorp
Classification: Uncertain significance. Last evaluated: 2024-11-03. Review status: criteria provided, single submitter. Criteria: Invitae Variant Classification Sherloc (09022015). Collection method: clinical testing. Allele origin: germline.
Comment: This sequence change replaces glycine, which is neutral and non-polar, with arginine, which is basic and polar, at codon 1309 of the COL11A2 protein (p.Gly1309Arg). This variant is present in population databases (rs779569420, gnomAD 0.007%). This variant has not been reported in the literature in individuals affected with COL11A2-related conditions. ClinVar contains an entry for this variant (Variation ID: 1224418). Invitae Evidence Modeling of protein sequence and biophysical properties (such as structural, functional, and spatial information, amino acid conservation, physicochemical variation, residue mobility, and thermodynamic stability) indicates that this missense variant is expected to disrupt COL11A2 protein function with a positive predictive value of 95%. In summary, the available evidence is currently insufficient to determine the role of this variant in disease. Therefore, it has been classified as a Variant of Uncertain Significance.

Blueprint Genetics
Classification: Uncertain significance. Last evaluated: 2022-03-29. Review status: criteria provided, single submitter. Criteria: ACMG Guidelines, 2015. Collection method: clinical testing. Allele origin: germline.

GeneDx
Classification: Uncertain significance. Last evaluated: 2022-01-24. Review status: criteria provided, single submitter. Criteria: GeneDx Variant Classification Process June 2021. Collection method: clinical testing. Allele origin: germline. Affected: yes.
Comment: Not observed at significant frequency in large population cohorts (gnomAD); In silico analysis supports that this missense variant has a deleterious effect on protein structure/function; Has not been previously published as pathogenic or benign to our knowledge